The following is an entry in ClinVar:

NM_000089.4(COL1A2):c.2005C>T (p.Pro669Ser)

Gene: COL1A2 (collagen type I alpha 2 chain; plus strand). Cytogenetic location: 7q21.3.
Variant type: single nucleotide variant.
Coding change: c.2005C>T on transcript NM_000089.4 (MANE Select); coding-DNA position 2005, C replaced by T.
Protein change: p.Pro669Ser; replaces proline 669 with serine.
Molecular consequence: missense variant.
Genome position (GRCh38, 1-based): chr7:94,418,532, C>T. VCF-style: chr7-94418532-C-T. GRCh37 (hg19) VCF-style: chr7-94047844-C-T.
Other names: short protein forms P669S.
Identifiers: ClinVar variation 2452007 (VCV002452007.2), dbSNP rs1194591416, ClinGen allele CA368223053.
Genomic context (GRCh38, chr7:94,418,532, plus strand): 5'-AAAGTTGCTCTTGCTTTATACTTTCAGGGTGAACCTGGTCTCAGAGGTGAAATTGGTAAC[C>T]CTGGCAGAGATGGTGCTCGTGTGAGTAGAATTTTGTTTGTATGTTTCTTCGTACTTGGAT-3'
Protein context (NP_000080.2, residues 659-679): EPGLRGEIGN[Pro669Ser]GRDGARGAPG

ClinVar aggregate classification (germline): Uncertain significance (1 of 4 stars; one submission).

Conditions:
Cardiovascular phenotype. Identifiers: MedGen CN230736.

Allele frequency attached by ClinVar (database versions not stated): gnomAD exomes below 0.00001; TOPMed below 0.00001.
gnomAD v4.1: 6 of 1,613,826 alleles (0.00037%); highest among the groups gnomAD compares: South Asian, 0.0011%; no homozygotes.

Submission:

Ambry Genetics
Classification: Uncertain significance for Cardiovascular phenotype. Last evaluated: 2022-12-15. Review status: criteria provided, single submitter. Criteria: Ambry Variant Classification Scheme 2023. Collection method: clinical testing. Allele origin: germline.
Comment: The p.P669S variant (also known as c.2005C>T), located in coding exon 33 of the COL1A2 gene, results from a C to T substitution at nucleotide position 2005. The proline at codon 669 is replaced by serine, an amino acid with similar properties. This amino acid position is poorly conserved in available vertebrate species. In addition, the in silico prediction for this alteration is inconclusive. Since supporting evidence is limited at this time, the clinical significance of this alteration remains unclear.